The following is an entry in ClinVar:

ClinVar aggregate classification (germline): Likely pathogenic (1 of 4 stars; one submission).

Conditions:
Inborn genetic diseases. Identifiers: MedGen C0950123, MeSH D030342.

Submission:

Ambry Genetics
Classification: Likely pathogenic for Inborn genetic diseases. Last evaluated: 2022-12-09. Review status: criteria provided, single submitter. Criteria: Ambry Variant Classification Scheme 2023. Collection method: clinical testing. Allele origin: germline.
Comment: The c.331G>A (p.G111R) alteration is located in exon 5 (coding exon 4) of the SRP54 gene. This alteration results from a G to A substitution at nucleotide position 331, causing the glycine (G) at amino acid position 111 to be replaced by an arginine (R). This variant was not reported in population-based cohorts in the Genome Aggregation Database (gnomAD). Another alteration at the same codon, c.331G>T (p.G111W), has been reported de novo in a patient with features consistent with SRP54-related severe congenital neutropenia (McCarthy, 2022). This amino acid position is highly conserved in available vertebrate species. This alteration is predicted to be deleterious by in silico analysis. Based on the available evidence, this alteration is classified as likely pathogenic.

Literature cited by the submitters: PubMed 34549814.

NM_003136.4(SRP54):c.331G>A (p.Gly111Arg)

Gene: SRP54 (signal recognition particle 54; plus strand). Cytogenetic location: 14q13.2.
Variant type: single nucleotide variant.
Coding change: c.331G>A on transcript NM_003136.4 (MANE Select); coding-DNA position 331, G replaced by A.
Protein change: p.Gly111Arg; replaces glycine 111 with arginine.
Molecular consequence: missense variant.
Genome position (GRCh38, 1-based): chr14:35,007,358, G>A. VCF-style: chr14-35007358-G-A. GRCh37 (hg19) VCF-style: chr14-35476564-G-A.
Other names: c.184G>A, p.Gly62Arg (NM_001146282.2); short protein forms G111R, G62R.
Identifiers: ClinVar variation 985721 (VCV000985721.4), dbSNP rs2044272867, ClinGen allele CA389439209.
Genomic context (GRCh38, chr14:35,007,358, plus strand): 5'-GTTAAGGCATGGACACCCACTAAAGGAAAACAAAATGTGATTATGTTTGTTGGATTGCAA[G>A]GGAGTGGTAAAACAACAACATGTTCAAAGGTAAATTGAACTTAATTTAAAAAGAAGTCAT-3'
Protein context (NP_003127.1, residues 101-121): QNVIMFVGLQ[Gly111Arg]SGKTTTCSKL